The following is an entry in ClinVar:

NM_001267550.2(TTN):c.53881+5G>A

Genes: TTN (titin; minus strand), TTN-AS1 (TTN antisense RNA 1; plus strand). Cytogenetic location: 2q31.2.
Variant type: single nucleotide variant.
Coding change: c.53881+5G>A on transcript NM_001267550.2 (MANE Select); 5 bases into the intron after coding-DNA position 53881, G replaced by A.
Molecular consequence: intron variant.
Genome position (GRCh38, 1-based): chr2:178,605,409, C>T on the plus strand (G>A on the coding strand, the complement: TTN is on the minus strand). VCF-style: chr2-178605409-C-T. GRCh37 (hg19) VCF-style: chr2-179470136-C-T.
Other names: c.26686+5G>A (NM_003319.4); c.27262+5G>A (NM_133437.4); c.27061+5G>A (NM_133432.3); c.46177+5G>A (NM_133378.4); c.48958+5G>A (NM_001256850.1); c.53881+5G>A (LRG_391t1).
Identifiers: ClinVar variation 223283 (VCV000223283.58), dbSNP rs753527304, ClinGen allele CA090650.

ClinVar aggregate classification (germline): Conflicting classifications of pathogenicity. Review status: criteria provided, conflicting classifications (1 of 4 stars). 10 submissions from 10 submitters: Uncertain significance (9); Likely benign (1). Last evaluated 2026-05-19.

Conditions:
TTN-related disorder. Also called: TTN-related condition; TTN-related disease; TTN-related disorders.
Cardiovascular phenotype. Identifiers: MedGen CN230736.
Tibial muscular dystrophy (TMD). Also called: Tibial muscular dystrophy, tardive; UDD MYOPATHY; Udd Distal Myopathy – Tibial Muscular Dystrophy. Identifiers: Orphanet 609, MedGen C1838244, MONDO:0010870, OMIM 600334.
Autosomal recessive limb-girdle muscular dystrophy type 2J (LGMDR10). Also called: Limb-girdle muscular dystrophy, type 2J; MUSCULAR DYSTROPHY, LIMB-GIRDLE, AUTOSOMAL RECESSIVE 10. Identifiers: Orphanet 140922, MedGen C1837342, MONDO:0012127, OMIM 608807.
Dilated cardiomyopathy 1G (CMD1G). Identifiers: Orphanet 154, MedGen C1858763, MONDO:0011400, OMIM 604145.
Myopathy, myofibrillar, 9, with early respiratory failure (MFM9). Also called: Hereditary myopathy with early respiratory failure; MYOPATHY, PROXIMAL, WITH EARLY RESPIRATORY MUSCLE INVOLVEMENT; Myopathy, distal, with early respiratory failure, autosomal dominant; EDSTROM MYOPATHY. Identifiers: Orphanet 178464, Orphanet 34521, MedGen C1863599, MONDO:0011362, OMIM 603689.
Hypertrophic cardiomyopathy 9. Also called: Familial hypertrophic cardiomyopathy 9. Identifiers: MedGen C1861065, MONDO:0013412, OMIM 613765.
Early-onset myopathy with fatal cardiomyopathy (CMYO5). Also called: CONGENITAL MYOPATHY 5 WITH CARDIOMYOPATHY; Salih Myopathy. Identifiers: Orphanet 289377, MedGen C2673677, MONDO:0012714, OMIM 611705. Disease mechanism: loss of function.
Primary dilated cardiomyopathy (DCM). Also called: Dilated Cardiomyopathy. Identifiers: Orphanet 217604, MedGen C0007193, MeSH D002311, MONDO:0005021, HP:0001644. Inheritance: Various modes of inheritance.

Allele frequency attached by ClinVar (database versions not stated): TOPMed 0.00006; ExAC 0.00015; gnomAD exomes 0.00015; gnomAD 0.00016.
gnomAD v4.1: 98 of 1,573,498 alleles (0.0062%); highest among the groups gnomAD compares: Admixed American, 0.04%; no homozygotes.

Submissions (10):

PreventionGenetics, part of Exact Sciences
Classification: Uncertain significance for TTN-related condition. Last evaluated: 2026-05-19. Review status: criteria provided, single submitter. Criteria: ACMG Guidelines, 2015. Collection method: clinical testing. Allele origin: germline.
Comment: The TTN c.53881+5G>A variant is predicted to interfere with splicing. This variant is not predicted to alter splicing based on available splicing prediction programs (SpliceAI, Jaganathan K, et al. 2019. PubMed ID: 30661751). However, the +5 position is part of the minimal donor splice region which is clinically relevant (Lord et al. 2019. PubMed ID: 30587507; Walker et al. 2023. PubMed ID: 37352859). This variant has been reported in at least two individuals with dilated or peripartum cardiomyopathies (Table S1, Roberts et al. 2015. PubMed ID: 25589632; Table S2, Goli et al. 2021. PubMed ID: 33874732). This variant is reported in 0.072% of alleles in individuals of Latino descent in gnomAD. At this time, the clinical significance of this variant is uncertain due to the absence of conclusive functional and genetic evidence.

CeGaT Center for Human Genetics Tuebingen
Classification: Uncertain significance. Last evaluated: 2025-11-01. Review status: criteria provided, single submitter. Criteria: CeGaT Center For Human Genetics Tuebingen Variant Classification Criteria Version 2. Collection method: clinical testing. Allele origin: germline. Affected: yes. Observed: 2 variant alleles.
Comment: TTN: PM2, BP4

Revvity Omics, Revvity
Classification: Uncertain significance. Last evaluated: 2025-05-23. Review status: criteria provided, single submitter. Criteria: ACMG Guidelines, 2015. Collection method: clinical testing. Allele origin: germline.

ARUP Laboratories, Molecular Genetics and Genomics, ARUP Laboratories
Classification: Uncertain significance. Last evaluated: 2025-04-11. Review status: criteria provided, single submitter. Criteria: ARUP Molecular Germline Variant Investigation Process 2024. Collection method: clinical testing. Allele origin: germline.
Comment: The TTN c.53881+5G>A variant (rs753527304; ClinVar Variation ID: 223283) is reported in the literature in multiple cohorts of individuals affected with dilated cardiomyopathy (Roberts 2015 and McGurk 2023). This variant is found in the general population with an overall allele frequency of 0.015% (38/253870 alleles) in the Genome Aggregation Database (v2.1.1). This is an intronic variant and computational analyses (Alamut Visual Plus v.1.5.1) predict that this variant may impact splicing by weakening the nearby canonical donor splice site. Due to limited information, the clinical significance of this variant is uncertain at this time. References: Roberts AM et al. Integrated allelic, transcriptional, and phenomic dissection of the cardiac effects of titin truncations in health and disease. Sci Transl Med. 2015 Jan 14;7(270):270ra6PMID: 25589632 Akinrinade O et al. Relevance of truncating titin mutations in dilated cardiomyopathy. Clin Genet. 2016 Jul;90(1):49-54. PMID: 26777568. McGurk KA et al. The penetrance of rare variants in cardiomyopathy-associated genes: A cross-sectional approach to estimating penetrance for secondary findings. Am J Hum Genet. 2023 Sep 7;110(9):1482-1495. PMID: 37652022

Mayo Clinic Laboratories, Mayo Clinic
Classification: Uncertain significance. Last evaluated: 2023-01-04. Review status: criteria provided, single submitter. Criteria: ACMG Guidelines, 2015. Collection method: clinical testing. Allele origin: germline. Observed: 2 variant alleles.
Comment: BS1, BP4

Fulgent Genetics
Classification: Uncertain significance for Tibial muscular dystrophy; Myopathy, myofibrillar, 9, with early respiratory failure; Dilated cardiomyopathy 1G; Autosomal recessive limb-girdle muscular dystrophy type 2J; Early-onset myopathy with fatal cardiomyopathy; Hypertrophic cardiomyopathy 9. Last evaluated: 2021-12-07. Review status: criteria provided, single submitter. Criteria: ACMG Guidelines, 2015. Collection method: clinical testing. Allele origin: unknown.

Ambry Genetics
Classification: Likely benign for Cardiovascular phenotype. Last evaluated: 2020-07-22. Review status: criteria provided, single submitter. Criteria: Ambry Variant Classification Scheme 2023. Collection method: clinical testing. Allele origin: germline.

GeneDx
Classification: Uncertain significance. Last evaluated: 2019-12-24. Review status: criteria provided, single submitter. Criteria: GeneDx Variant Classification Process June 2021. Collection method: clinical testing. Allele origin: germline. Affected: yes.
Comment: In-silico analysis, which includes splice predictors and evolutionary conservation, is inconclusive as to whether the variant alters gene splicing. In the absence of RNA/functional studies, the actual effect of this sequence change is unknown.; Reported previously in association with dilated cardiomyopathy, however, variant was also observed in healthy individuals in large population cohorts (Roberts et al., 2015; Akinrinade et al., 2016); This variant is associated with the following publications: (PMID: 25589632, 26777568, 26735901)

Eurofins Ntd Llc (ga)
Classification: Uncertain significance. Last evaluated: 2016-10-11. Review status: criteria provided, single submitter. Criteria: EGL Classification Definitions 2015. Collection method: clinical testing. Allele origin: germline. Observed: 2 variant alleles, 2 heterozygotes.

Cardiovascular Biomedical Research Unit, Royal Brompton & Harefield NHS Foundation Trust
Classification: Uncertain significance for Primary dilated cardiomyopathy. Last evaluated: 2014-10-08. Review status: criteria provided, single submitter. Criteria: Roberts et al. 2015. Collection method: research. Allele origin: germline. Inheritance: Autosomal dominant inheritance. Affected: yes. Observed: 1 variant allele. Study: Unselected DCM.
Comment: In the seven cohorts assessed, TTNtv were found in 14% of ambulant DCM, 22% end-stage or familial DCM, and 2% controls. Heterozygous nonsense, frameshift and canonical splice-disrupting variants found in constitutive and other highly utilised exons are highly likely to be pathogenic when identified in individuals with phenotypically confirmed DCM. TTNtv found incidentally in healthy individuals (excluding familial assessment of DCM relatives) are thought to have low penetrance, particularly when identified in exons that are not constitutively expressed in the heart.

Literature cited by the submitters: PubMed 25589632 (cited by Mayo Clinic Laboratories, Mayo Clinic); PubMed 26735901 (cited by Mayo Clinic Laboratories, Mayo Clinic); PubMed 26777568 (cited by Mayo Clinic Laboratories, Mayo Clinic); PubMed 33874732 (cited by Mayo Clinic Laboratories, Mayo Clinic).